The following is an entry in ClinVar:

ClinVar aggregate classification (germline): Uncertain significance. Review status: criteria provided, multiple submitters, no conflicts (2 of 4 stars). 2 submissions from 2 submitters: Uncertain significance (2). Last evaluated 2025-07-23.

Conditions:
MAP2K2-related disorder. Also called: MAP2K2-related condition.
RASopathy. Also called: rasopathies; Noonan spectrum disorder. Identifiers: Orphanet 536391, MedGen C5555857, MONDO:0021060.

Allele frequency attached by ClinVar (database versions not stated): gnomAD 0.00001; TOPMed 0.00001.

Submissions (2):

PreventionGenetics, part of Exact Sciences
Classification: Uncertain significance for MAP2K2-related condition. Last evaluated: 2025-07-23. Review status: criteria provided, single submitter. Criteria: ACMG Guidelines, 2015. Collection method: clinical testing. Allele origin: germline.
Comment: The MAP2K2 c.1138G>A variant is predicted to result in the amino acid substitution p.Ala380Thr. To our knowledge, this variant has not been reported in the literature or in a large population database (gnomAD), indicating this variant is rare. At this time, the clinical significance of this variant is uncertain due to the absence of conclusive functional and genetic evidence.

Labcorp Genetics (formerly Invitae), Labcorp
Classification: Uncertain significance for RASopathy. Last evaluated: 2023-10-12. Review status: criteria provided, single submitter. Criteria: Invitae Variant Classification Sherloc (09022015). Collection method: clinical testing. Allele origin: germline.
Comment: This sequence change replaces alanine, which is neutral and non-polar, with threonine, which is neutral and polar, at codon 380 of the MAP2K2 protein (p.Ala380Thr). This variant is not present in population databases (gnomAD no frequency). This variant has not been reported in the literature in individuals affected with MAP2K2-related conditions. ClinVar contains an entry for this variant (Variation ID: 1438169). Advanced modeling of protein sequence and biophysical properties (such as structural, functional, and spatial information, amino acid conservation, physicochemical variation, residue mobility, and thermodynamic stability) performed at Invitae indicates that this missense variant is not expected to disrupt MAP2K2 protein function. In summary, the available evidence is currently insufficient to determine the role of this variant in disease. Therefore, it has been classified as a Variant of Uncertain Significance.

NM_030662.4(MAP2K2):c.1138G>A (p.Ala380Thr)

Gene: MAP2K2 (mitogen-activated protein kinase kinase 2; minus strand). Cytogenetic location: 19p13.3.
Variant type: single nucleotide variant.
Coding change: c.1138G>A on transcript NM_030662.4 (MANE Select); coding-DNA position 1138, G replaced by A.
Protein change: p.Ala380Thr; replaces alanine 380 with threonine.
Molecular consequence: missense variant.
Genome position (GRCh38, 1-based): chr19:4,090,663, C>T on the plus strand (G>A on the coding strand, the complement: MAP2K2 is on the minus strand). VCF-style: chr19-4090663-C-T. GRCh37 (hg19) VCF-style: chr19-4090661-C-T.
Other names: c.1138G>A (NM_030662.3); short protein forms A380T.
Identifiers: ClinVar variation 1438169 (VCV001438169.7), dbSNP rs867823488, ClinGen allele CA304445717.